The following is an entry in ClinVar:

NM_003489.4(NRIP1):c.2071C>T (p.Pro691Ser)

Gene: NRIP1 (nuclear receptor interacting protein 1; minus strand). Cytogenetic location: 21q11.2.
Variant type: single nucleotide variant.
Coding change: c.2071C>T on transcript NM_003489.4 (MANE Select); coding-DNA position 2071, C replaced by T.
Protein change: p.Pro691Ser; replaces proline 691 with serine.
Molecular consequence: missense variant.
Genome position (GRCh38, 1-based): chr21:14,966,122, G>A on the plus strand (C>T on the coding strand, the complement: NRIP1 is on the minus strand). VCF-style: chr21-14966122-G-A. GRCh37 (hg19) VCF-style: chr21-16338443-G-A.
Other names: short protein forms P691S.
Identifiers: ClinVar variation 715466 (VCV000715466.16), dbSNP rs61755058, ClinGen allele CA9981221.
Genomic context (GRCh38, chr21:14,966,122, plus strand): 5'-TACGTCTTTCAAGCAGATTTTCTATTTCAGAACCAGAAAGCCCTGGTTCAGGACCTGTTG[G>A]TTGACTACTAAATGCTTTATTTTCTTCAACTGCATTTGTTTTATTTGAGAGCAAAGGGCT-3'
Protein context (NP_003480.2, residues 681-701): VEENKAFSSQ[Pro691Ser]TGPEPGLSGS

ClinVar aggregate classification (germline): Likely benign. Review status: criteria provided, multiple submitters, no conflicts (2 of 4 stars). 4 submissions from 4 submitters: Likely benign (3). 1 of the submissions does not count toward it. Last evaluated 2026-02-01.

Conditions:
NRIP1-related disorder. Also called: NRIP1-related condition.

Allele frequency attached by ClinVar (database versions not stated): 1000 Genomes Project 30x 0.00109; 1000 Genomes Project 0.00140; ExAC 0.00171; gnomAD 0.00189 and 0.00200; TOPMed 0.00199; ESP Exome Variant Server 0.00223.
gnomAD v4.1: 4,301 of 1,612,526 alleles (0.27%); highest among the groups gnomAD compares: Non-Finnish European, 0.34%; 6 homozygotes.

Submissions (4):

Labcorp Genetics (formerly Invitae), Labcorp
Classification: Likely benign. Last evaluated: 2026-02-01. Review status: criteria provided, single submitter. Criteria: Invitae Variant Classification Sherloc (09022015). Collection method: clinical testing. Allele origin: germline.

CeGaT Center for Human Genetics Tuebingen
Classification: Likely benign. Last evaluated: 2025-12-01. Review status: criteria provided, single submitter. Criteria: CeGaT Center For Human Genetics Tuebingen Variant Classification Criteria Version 2. Collection method: clinical testing. Allele origin: germline. Affected: yes. Observed: 1 variant allele.
Comment: NRIP1: BP4, BS2

Blueprint Genetics
Classification: Likely benign. Last evaluated: 2024-11-21. Review status: criteria provided, single submitter. Criteria: ACMG Guidelines, 2015. Collection method: clinical testing. Allele origin: germline.

PreventionGenetics, part of Exact Sciences
Classification: Likely benign for NRIP1-related condition. Last evaluated: 2019-08-26. Review status: no assertion criteria provided. Collection method: clinical testing. Allele origin: germline. Not counted in ClinVar's aggregate classification.
Comment: This variant is classified as likely benign based on ACMG/AMP sequence variant interpretation guidelines (Richards et al. 2015 PMID: 25741868, with internal and published modifications).